The following is an entry in ClinVar:

NM_018082.6(POLR3B):c.2938G>A (p.Gly980Ser)

Genes: POLR3B (RNA polymerase III subunit B; plus strand), RFX4-AS1 (RFX4 antisense RNA 1; minus strand). Cytogenetic location: 12q23.3.
Variant type: single nucleotide variant.
Coding change: c.2938G>A on transcript NM_018082.6 (MANE Select); coding-DNA position 2938, G replaced by A.
Protein change: p.Gly980Ser; replaces glycine 980 with serine.
Molecular consequence: missense variant.
Genome position (GRCh38, 1-based): chr12:106,496,872, G>A. VCF-style: chr12-106496872-G-A. GRCh37 (hg19) VCF-style: chr12-106890650-G-A.
Other names: c.2764G>A, p.Gly922Ser (NM_001160708.2); short protein forms G922S, G980S.
Identifiers: ClinVar variation 2104442 (VCV002104442.4), dbSNP rs199865077, ClinGen allele CA6762343.

ClinVar aggregate classification (germline): Uncertain significance (1 of 4 stars; one submission).

Allele frequency attached by ClinVar (database versions not stated): ExAC 0.00001; gnomAD exomes 0.00001; gnomAD 0.00002; 1000 Genomes Project 30x 0.00016; 1000 Genomes Project 0.00020.
gnomAD v4.1: 6 of 1,614,086 alleles (0.00037%); highest among the groups gnomAD compares: African/African-American, 0.0067%; no homozygotes.

Submission:

Labcorp Genetics (formerly Invitae), Labcorp
Classification: Uncertain significance. Last evaluated: 2023-12-18. Review status: criteria provided, single submitter. Criteria: Invitae Variant Classification Sherloc (09022015). Collection method: clinical testing. Allele origin: germline.
Comment: This sequence change replaces glycine, which is neutral and non-polar, with serine, which is neutral and polar, at codon 980 of the POLR3B protein (p.Gly980Ser). This variant is present in population databases (rs199865077, gnomAD 0.01%). This variant has not been reported in the literature in individuals affected with POLR3B-related conditions. ClinVar contains an entry for this variant (Variation ID: 2104442). Advanced modeling of protein sequence and biophysical properties (such as structural, functional, and spatial information, amino acid conservation, physicochemical variation, residue mobility, and thermodynamic stability) has been performed at Invitae for this missense variant, however the output from this modeling did not meet the statistical confidence thresholds required to predict the impact of this variant on POLR3B protein function. In summary, the available evidence is currently insufficient to determine the role of this variant in disease. Therefore, it has been classified as a Variant of Uncertain Significance.